The following is an entry in ClinVar:

NM_001035.3(RYR2):c.1194C>T (p.His398=)

Gene: RYR2 (ryanodine receptor 2; plus strand). Cytogenetic location: 1q43.
Variant type: single nucleotide variant.
Coding change: c.1194C>T on transcript NM_001035.3 (MANE Select); coding-DNA position 1194, C replaced by T.
Protein change: p.His398=; no amino-acid change (histidine 398 retained).
Molecular consequence: synonymous variant.
Genome position (GRCh38, 1-based): chr1:237,445,424, C>T. VCF-style: chr1-237445424-C-T. GRCh37 (hg19) VCF-style: chr1-237608724-C-T.
Other names: c.1194C>T (NM_001035.2).
Identifiers: ClinVar variation 1156223 (VCV001156223.16), dbSNP rs794728816, ClinGen allele CA423812034.

ClinVar aggregate classification (germline): Likely benign. Review status: criteria provided, multiple submitters, no conflicts (2 of 4 stars). 6 submissions from 6 submitters: Likely benign (6). Last evaluated 2026-03-27.

Conditions:
Cardiovascular phenotype. Identifiers: MedGen CN230736.
Cardiomyopathy (CMYO). Also called: Cardiomyopathies. Identifiers: Orphanet 167848, MedGen C0878544, MONDO:0004994, HP:0001638. Inheritance: Various modes of inheritance.
Catecholaminergic polymorphic ventricular tachycardia (CVPT). Also called: Catecholamine-induced polymorphic ventricular tachycardia. Identifiers: Orphanet 3286, MedGen C5574922, MONDO:0017990.
Catecholaminergic polymorphic ventricular tachycardia 1. Also called: VENTRICULAR TACHYCARDIA, STRESS-INDUCED POLYMORPHIC 1; VENTRICULAR TACHYCARDIA, CATECHOLAMINERGIC POLYMORPHIC, 1, WITH OR WITHOUT ATRIAL DYSFUNCTION AND/OR DILATED CARDIOMYOPATHY; RYR2-Related Catecholaminergic Polymorphic Ventricular Tachycardia. Identifiers: Orphanet 3286, MedGen C1631597, MONDO:0011484, OMIM 604772.

Allele frequency attached by ClinVar (database versions not stated): TOPMed below 0.00001; gnomAD exomes 0.00001.
gnomAD v4.1: 8 of 1,613,634 alleles (0.0005%); highest among the groups gnomAD compares: Non-Finnish European, 0.00068%; no homozygotes.

Submissions (6):

Molecular Diagnostic Laboratory for Inherited Cardiovascular Disease, Montreal Heart Institute
Classification: Likely benign. Last evaluated: 2026-03-27. Review status: criteria provided, single submitter. Criteria: ACMG Guidelines, 2015. Collection method: clinical testing. Allele origin: germline. Affected: no.

Labcorp Genetics (formerly Invitae), Labcorp
Classification: Likely benign for Catecholaminergic polymorphic ventricular tachycardia 1. Last evaluated: 2024-06-22. Review status: criteria provided, single submitter. Criteria: Invitae Variant Classification Sherloc (09022015). Collection method: clinical testing. Allele origin: germline.

Ambry Genetics
Classification: Likely benign for Cardiovascular phenotype. Last evaluated: 2023-06-29. Review status: criteria provided, single submitter. Criteria: Ambry Variant Classification Scheme 2023. Collection method: clinical testing. Allele origin: germline.

All of Us Research Program, National Institutes of Health
Classification: Likely benign for Catecholaminergic polymorphic ventricular tachycardia. Last evaluated: 2023-05-15. Review status: criteria provided, single submitter. Criteria: ACMG Guidelines, 2015. Collection method: clinical testing. Allele origin: germline. Inheritance: Autosomal dominant inheritance. Observed: 2 variant alleles, 2 heterozygotes.
Comment: This study involves interpretation of variants in research participants for the purpose of population health screening. Participant phenotype was not available at the time of variant classification. Additional details can be found in publication PMID: 35346344, PMCID: PMC8962531

Blueprint Genetics
Classification: Likely benign. Last evaluated: 2022-11-28. Review status: criteria provided, single submitter. Criteria: ACMG Guidelines, 2015. Collection method: clinical testing. Allele origin: germline.

Color Diagnostics, LLC DBA Color Health
Classification: Likely benign for Cardiomyopathy. Last evaluated: 2021-05-10. Review status: criteria provided, single submitter. Criteria: ACMG Guidelines, 2015. Collection method: clinical testing. Allele origin: germline.